The following is an entry in ClinVar:

ClinVar aggregate classification (germline): Uncertain significance (1 of 4 stars; one submission).

Submission:

GeneDx
Classification: Uncertain significance. Last evaluated: 2023-11-03. Review status: criteria provided, single submitter. Criteria: GeneDx Variant Classification Process June 2021. Collection method: clinical testing. Allele origin: germline. Affected: yes.
Comment: Not observed at significant frequency in large population cohorts (gnomAD); In silico analysis supports that this missense variant does not alter protein structure/function; Has not been previously published as pathogenic or benign to our knowledge

NM_004789.4(LHX2):c.1109T>C (p.Leu370Ser)

Gene: LHX2 (LIM homeobox 2; plus strand). Cytogenetic location: 9q33.3.
Variant type: single nucleotide variant.
Coding change: c.1109T>C on transcript NM_004789.4 (MANE Select); coding-DNA position 1109, T replaced by C.
Protein change: p.Leu370Ser; replaces leucine 370 with serine.
Molecular consequence: missense variant.
Genome position (GRCh38, 1-based): chr9:124,032,595, T>C. VCF-style: chr9-124032595-T-C. GRCh37 (hg19) VCF-style: chr9-126794874-T-C.
Other names: short protein forms L370S.
Identifiers: ClinVar variation 3363673 (VCV003363673.1).